The following is an entry in ClinVar:

NM_000553.6(WRN):c.111G>C (p.Lys37Asn)

Gene: WRN (WRN RecQ like helicase; plus strand). Cytogenetic location: 8p12.
Variant type: single nucleotide variant.
Coding change: c.111G>C on transcript NM_000553.6 (MANE Select); coding-DNA position 111, G replaced by C.
Protein change: p.Lys37Asn; replaces lysine 37 with asparagine.
Molecular consequence: missense variant.
Genome position (GRCh38, 1-based): chr8:31,059,167, G>C. VCF-style: chr8-31059167-G-C. GRCh37 (hg19) VCF-style: chr8-30916683-G-C.
Other names: short protein forms K37N.
Identifiers: ClinVar variation 2088780 (VCV002088780.4), dbSNP rs771433734, ClinGen allele CA4703986.

ClinVar aggregate classification (germline): Likely pathogenic (1 of 4 stars; one submission).

Conditions:
Werner syndrome (WRN). Identifiers: Orphanet 902, MedGen C0043119, MONDO:0010196, OMIM 277700.

Allele frequency attached by ClinVar (database versions not stated): gnomAD exomes below 0.00001; ExAC 0.00001.
gnomAD v4.1: 5 of 1,613,714 alleles (0.00031%); highest among the groups gnomAD compares: Non-Finnish European, 0.00042%; no homozygotes.

Submission:

Labcorp Genetics (formerly Invitae), Labcorp
Classification: Likely pathogenic for Werner syndrome. Last evaluated: 2023-07-06. Review status: criteria provided, single submitter. Criteria: Invitae Variant Classification Sherloc (09022015). Collection method: clinical testing. Allele origin: germline.
Comment: This sequence change replaces lysine, which is basic and polar, with asparagine, which is neutral and polar, at codon 37 of the WRN protein (p.Lys37Asn). RNA analysis indicates that this missense change induces altered splicing and may result in an absent or disrupted protein product. This variant is present in population databases (rs771433734, gnomAD 0.0009%). This variant has not been reported in the literature in individuals affected with WRN-related conditions. ClinVar contains an entry for this variant (Variation ID: 2088780). An algorithm developed to predict the effect of missense changes on protein structure and function (PolyPhen-2) suggests that this variant is likely to be disruptive. Studies have shown that this missense change results in activation of a cryptic splice site and introduces a premature termination codon (Invitae). The resulting mRNA is expected to undergo nonsense-mediated decay. In summary, the currently available evidence indicates that the variant is pathogenic, but additional data are needed to prove that conclusively. Therefore, this variant has been classified as Likely Pathogenic.